The following is an entry in ClinVar:

ClinVar aggregate classification (germline): Likely pathogenic (0 of 4 stars; one submission).

Conditions:
Intellectual developmental disorder, autosomal dominant 6, with or without seizures. Also called: Intellectual disability, autosomal dominant 6; GRIN2B-related developmental delay, intellectual disability and autism spectrum disorder. Identifiers: Orphanet 589547, MedGen C3151411, MONDO:0013509, OMIM 613970.

Submission:

Baylor Genetics
Classification: Likely pathogenic for Intellectual developmental disorder, autosomal dominant 6, with or without seizures. Last evaluated: 2015-03-13. Review status: no assertion criteria provided. Collection method: clinical testing. Allele origin: de novo. Inheritance: Autosomal dominant inheritance. Affected: yes. Observed: 1 variant allele, 1 heterozygote.

NM_000834.5(GRIN2B):c.1821G>C (p.Trp607Cys)

Gene: GRIN2B (glutamate ionotropic receptor NMDA type subunit 2B; minus strand). Cytogenetic location: 12p13.1.
Variant type: single nucleotide variant.
Coding change: c.1821G>C on transcript NM_000834.5 (MANE Select); coding-DNA position 1821, G replaced by C.
Protein change: p.Trp607Cys; replaces tryptophan 607 with cysteine.
Molecular consequence: missense variant.
Genome position (GRCh38, 1-based): chr12:13,608,792, C>G on the plus strand (G>C on the coding strand, the complement: GRIN2B is on the minus strand). VCF-style: chr12-13608792-C-G. GRCh37 (hg19) VCF-style: chr12-13761726-C-G.
Other names: short protein forms W607C.
Identifiers: ClinVar variation 374327 (VCV000374327.2), dbSNP rs1057518700, ClinGen allele CA16043678.